The following is an entry in ClinVar:

NM_000038.6(APC):c.3898A>C (p.Asn1300His)

Gene: APC (APC regulator of Wnt signaling pathway; plus strand). Cytogenetic location: 5q22.2.
Variant type: single nucleotide variant.
Coding change: c.3898A>C on transcript NM_000038.6 (MANE Select); coding-DNA position 3898, A replaced by C.
Protein change: p.Asn1300His; replaces asparagine 1300 with histidine.
Molecular consequence: missense variant.
Genome position (GRCh38, 1-based): chr5:112,839,492, A>C. VCF-style: chr5-112839492-A-C. GRCh37 (hg19) VCF-style: chr5-112175189-A-C.
Other names: c.3898A>C, p.Asn1300His (NM_001127510.3, NM_001354895.2); c.3844A>C, p.Asn1282His (NM_001127511.3); c.3952A>C, p.Asn1318His (NM_001354896.2); c.3928A>C, p.Asn1310His (NM_001354897.2); c.3823A>C, p.Asn1275His (NM_001354898.2); c.3814A>C, p.Asn1272His (NM_001354899.2); c.3775A>C, p.Asn1259His (NM_001354900.2); c.3721A>C, p.Asn1241His (NM_001354901.2); and 5 more; short protein forms N1140H, N1199H, N1209H, N1272H, N1282H, N1017H, N1318H, N1241H.
Identifiers: ClinVar variation 1469767 (VCV001469767.8), dbSNP rs1554085380, ClinGen allele CA16029886.
Genomic context (GRCh38, chr5:112,839,492, plus strand): 5'-TTGTCATCAGCTGAAGATGAAATAGGATGTAATCAGACGACACAGGAAGCAGATTCTGCT[A>C]ATACCCTGCAAATAGCAGAAATAAAAGAAAAGATTGGAACTAGGTCAGCTGAAGATCCTG-3'
Protein context (NP_000029.2, residues 1290-1310): NQTTQEADSA[Asn1300His]TLQIAEIKEK

ClinVar aggregate classification (germline): Uncertain significance (1 of 4 stars; one submission).

Conditions:
Familial adenomatous polyposis 1 (FAP1). Also called: FAMILIAL ADENOMATOUS POLYPOSIS 1, ATTENUATED; POLYPOSIS, ADENOMATOUS INTESTINAL. Identifiers: MedGen C2713442, MONDO:0021056, OMIM 175100. Disease mechanism: loss of function.

Submission:

Labcorp Genetics (formerly Invitae), Labcorp
Classification: Uncertain significance for Familial adenomatous polyposis 1. Last evaluated: 2021-02-13. Review status: criteria provided, single submitter. Criteria: Invitae Variant Classification Sherloc (09022015). Collection method: clinical testing. Allele origin: germline.
Comment: This sequence change replaces asparagine with histidine at codon 1300 of the APC protein (p.Asn1300His). The asparagine residue is moderately conserved and there is a small physicochemical difference between asparagine and histidine. This variant is not present in population databases (ExAC no frequency). This variant has not been reported in the literature in individuals with APC-related conditions. Algorithms developed to predict the effect of missense changes on protein structure and function are either unavailable or do not agree on the potential impact of this missense change (SIFT: "Deleterious"; PolyPhen-2: "Possibly Damaging"; Align-GVGD: "Class C0"). In summary, the available evidence is currently insufficient to determine the role of this variant in disease. Therefore, it has been classified as a Variant of Uncertain Significance.